The following is an entry in ClinVar:

NM_004656.4(BAP1):c.488G>T (p.Arg163Leu)

Gene: BAP1 (BRCA1 associated deubiquitinase 1; minus strand). Cytogenetic location: 3p21.1.
Variant type: single nucleotide variant.
Coding change: c.488G>T on transcript NM_004656.4 (MANE Select); coding-DNA position 488, G replaced by T.
Protein change: p.Arg163Leu; replaces arginine 163 with leucine.
Molecular consequence: missense variant.
Genome position (GRCh38, 1-based): chr3:52,407,266, C>A on the plus strand (G>T on the coding strand, the complement: BAP1 is on the minus strand). VCF-style: chr3-52407266-C-A. GRCh37 (hg19) VCF-style: chr3-52441282-C-A.
Other names: c.488G>T, p.Arg163Leu (NM_001410772.1); short protein forms R163L.
Identifiers: ClinVar variation 4620658 (VCV004620658.1).
Genomic context (GRCh38, chr3:52,407,266, plus strand): 5'-AGCTCAAAGAGCCGGCCTGTGATAGGCACATAGCTGACAAAGTGGAACGCCTCCATGGTC[C>A]GCACTGCACTAAGGCCATTCTGCTTCTCAGGGAGGTGGCGTGGCTCGGGCCTGGGGAAAA-3'
Protein context (NP_004647.1, residues 153-173): PEKQNGLSAV[Arg163Leu]TMEAFHFVSY

ClinVar aggregate classification (germline): Uncertain significance (1 of 4 stars; one submission).

Conditions:
Hereditary cancer-predisposing syndrome. Also called: Neoplastic Syndromes, Hereditary; Tumor predisposition; Hereditary Cancer Syndrome; Hereditary neoplastic syndrome. Identifiers: Orphanet 140162, MedGen C0027672, MeSH D009386, MONDO:0015356.

Submission:

Ambry Genetics
Classification: Uncertain significance for Hereditary cancer-predisposing syndrome. Last evaluated: 2025-11-04. Review status: criteria provided, single submitter. Criteria: Ambry Variant Classification Scheme 2023. Collection method: clinical testing. Allele origin: germline.
Comment: The p.R163L variant (also known as c.488G>T), located in coding exon 7 of the BAP1 gene, results from a G to T substitution at nucleotide position 488. The arginine at codon 163 is replaced by leucine, an amino acid with dissimilar properties. This amino acid position is conserved. In addition, the in silico prediction for this alteration is inconclusive. Based on the available evidence, the clinical significance of this variant remains unclear.